The following is an entry in ClinVar:

ClinVar aggregate classification (germline): Likely benign. Review status: criteria provided, multiple submitters, no conflicts (2 of 4 stars). 3 submissions from 3 submitters: Likely benign (3). Last evaluated 2026-01-01.

Conditions:
Familial thoracic aortic aneurysm and aortic dissection (TAAD). Also called: Thoracic aortic aneurysms and dissections. Identifiers: Orphanet 91387, MedGen C4707243, MONDO:0019625.
FG syndrome (FGS). Identifiers: MedGen C0220769, MONDO:0002010.

Allele frequency attached by ClinVar (database versions not stated): gnomAD exomes below 0.00001; gnomAD 0.00001; TOPMed 0.00001.
gnomAD v4.1: 2 of 1,207,617 alleles (0.00017%); highest among the groups gnomAD compares: Non-Finnish European, 0.00022%; no homozygotes.

Submissions (3):

CeGaT Center for Human Genetics Tuebingen
Classification: Likely benign. Last evaluated: 2026-01-01. Review status: criteria provided, single submitter. Criteria: CeGaT Center For Human Genetics Tuebingen Variant Classification Criteria Version 2. Collection method: clinical testing. Allele origin: germline. Affected: yes. Observed: 1 variant allele.
Comment: MED12: BP4, BP7

Labcorp Genetics (formerly Invitae), Labcorp
Classification: Likely benign for FG syndrome. Last evaluated: 2024-02-16. Review status: criteria provided, single submitter. Criteria: Invitae Variant Classification Sherloc (09022015). Collection method: clinical testing. Allele origin: germline.

Ambry Genetics
Classification: Likely benign for Familial thoracic aortic aneurysm and aortic dissection. Last evaluated: 2023-12-15. Review status: criteria provided, single submitter. Criteria: Ambry Variant Classification Scheme 2023. Collection method: clinical testing. Allele origin: germline.

NM_005120.3(MED12):c.6165G>A (p.Gln2055=)

Gene: MED12 (mediator complex subunit 12; plus strand). Cytogenetic location: Xq13.1.
Variant type: single nucleotide variant.
Coding change: c.6165G>A on transcript NM_005120.3 (MANE Select); coding-DNA position 6165, G replaced by A.
Protein change: p.Gln2055=; no amino-acid change (glutamine 2055 retained).
Molecular consequence: synonymous variant.
Genome position (GRCh38, 1-based): chrX:71,140,755, G>A. VCF-style: chrX-71140755-G-A. GRCh37 (hg19) VCF-style: chrX-70360605-G-A.
Other names: c.6165G>A (NM_005120.2).
Identifiers: ClinVar variation 1605624 (VCV001605624.13), dbSNP rs2092345036, ClinGen allele CA516728026.